The following is an entry in ClinVar:

ClinVar aggregate classification (germline): Uncertain significance (1 of 4 stars; one submission).

Conditions:
Pulmonary fibrosis and/or bone marrow failure, Telomere-related, 3. Also called: PULMONARY FIBROSIS AND/OR BONE MARROW FAILURE SYNDROME, TELOMERE-RELATED, 3. Identifiers: Orphanet 2032, MedGen C4225346, MONDO:0014613, OMIM 616373.
Dyskeratosis congenita, autosomal recessive 5 (DKCB5). Identifiers: MedGen C3554656, MONDO:0014076, OMIM 615190.

Submission:

Labcorp Genetics (formerly Invitae), Labcorp
Classification: Uncertain significance for Dyskeratosis congenita, autosomal recessive 5; Pulmonary fibrosis and/or bone marrow failure, Telomere-related, 3. Last evaluated: 2023-10-03. Review status: criteria provided, single submitter. Criteria: Invitae Variant Classification Sherloc (09022015). Collection method: clinical testing. Allele origin: germline.
Comment: This sequence change replaces isoleucine, which is neutral and non-polar, with methionine, which is neutral and non-polar, at codon 123 of the RTEL1 protein (p.Ile123Met). This variant is not present in population databases (gnomAD no frequency). This variant has not been reported in the literature in individuals affected with RTEL1-related conditions. ClinVar contains an entry for this variant (Variation ID: 961648). An algorithm developed to predict the effect of missense changes on protein structure and function (PolyPhen-2) suggests that this variant is likely to be disruptive. In summary, the available evidence is currently insufficient to determine the role of this variant in disease. Therefore, it has been classified as a Variant of Uncertain Significance.

NM_001283009.2(RTEL1):c.369C>G (p.Ile123Met)

Genes: RTEL1 (regulator of telomere elongation helicase 1; plus strand), RTEL1-TNFRSF6B (RTEL1-TNFRSF6B readthrough (NMD candidate); plus strand). Cytogenetic location: 20q13.33.
Variant type: single nucleotide variant.
Coding change: c.369C>G on transcript NM_001283009.2 (MANE Select); coding-DNA position 369, C replaced by G.
Protein change: p.Ile123Met; replaces isoleucine 123 with methionine.
Molecular consequence: missense variant. On other transcripts: non-coding transcript variant (1), 5 prime UTR variant (1).
Genome position (GRCh38, 1-based): chr20:63,661,917, C>G. VCF-style: chr20-63661917-C-G. GRCh37 (hg19) VCF-style: chr20-62293270-C-G.
Other names: c.-301C>G (NM_001283010.1); c.369C>G, p.Ile123Met (NM_016434.4, NM_032957.5); short protein forms I123M.
Identifiers: ClinVar variation 961648 (VCV000961648.10), dbSNP rs2090027882, ClinGen allele CA409668767.